The following is an entry in ClinVar:

NM_012275.3(IL36RN):c.-27-49C>G

Gene: IL36RN (interleukin 36 receptor antagonist; plus strand). Cytogenetic location: 2q14.1.
Variant type: single nucleotide variant.
Coding change: c.-27-49C>G on transcript NM_012275.3 (MANE Select); 49 bases into the intron before 27 bases upstream of the start codon, C replaced by G.
Molecular consequence: intron variant.
Genome position (GRCh38, 1-based): chr2:113,059,363, C>G. VCF-style: chr2-113059363-C-G. GRCh37 (hg19) VCF-style: chr2-113816940-C-G.
Other names: c.-27-49C>G (NM_173170.1).
Identifiers: ClinVar variation 2628158 (VCV002628158.2), dbSNP rs2278716, ClinGen allele CA11025248.

ClinVar aggregate classification (germline): Benign (1 of 4 stars; one submission).

Allele frequency attached by ClinVar (database versions not stated): ESP Exome Variant Server 0.01905; 1000 Genomes Project 30x 0.31730; 1000 Genomes Project 0.32069; TOPMed 0.32208.
gnomAD v4.1: 619,875 of 1,538,496 alleles (40%); highest among the groups gnomAD compares: South Asian, 58%; 130,544 homozygotes.

Submission:

Unidad de Genómica Garrahan, Hospital de Pediatría Garrahan
Classification: Benign. Last evaluated: 2023-11-12. Review status: criteria provided, single submitter. Criteria: ACMG Guidelines, 2015. Collection method: clinical testing. Allele origin: germline. Affected: no. Observed: 53 variant alleles.
Comment: This variant is classified as Benign based on local population frequency. This variant was detected in 55% of patients studied by a panel of primary immunodeficiencies. Number of patients: 53. Only high quality variants are reported.